The following is an entry in ClinVar:

NM_002230.4(JUP):c.2025T>C (p.His675=)

Gene: JUP (junction plakoglobin; minus strand). Cytogenetic location: 17q21.2.
Variant type: single nucleotide variant.
Coding change: c.2025T>C on transcript NM_002230.4 (MANE Select); coding-DNA position 2025, T replaced by C.
Protein change: p.His675=; no amino-acid change (histidine 675 retained).
Molecular consequence: synonymous variant.
Genome position (GRCh38, 1-based): chr17:41,757,436, A>G on the plus strand (T>C on the coding strand, the complement: JUP is on the minus strand). VCF-style: chr17-41757436-A-G. GRCh37 (hg19) VCF-style: chr17-39913688-A-G.
Other names: p.H675H:CAT>CAC; c.2025T>C, p.His675= (NM_001352773.2, NM_001352774.2, NM_001352775.2 and 3 more transcripts); c.2025T>C (NM_002230.3).
Identifiers: ClinVar variation 137960 (VCV000137960.39), dbSNP rs140670556, ClinGen allele CA181073.

ClinVar aggregate classification (germline): Benign/Likely benign. Review status: criteria provided, multiple submitters, no conflicts (2 of 4 stars). 13 submissions from 13 submitters: Benign (6); Likely benign (3). 4 of the submissions do not count toward it. Last evaluated 2026-03-27.

Conditions:
Cardiovascular phenotype. Identifiers: MedGen CN230736.
Arrhythmogenic right ventricular dysplasia 12. Also called: ARRHYTHMOGENIC RIGHT VENTRICULAR DYSPLASIA, FAMILIAL, 12. Identifiers: MedGen C1969081, MONDO:0012684, OMIM 611528.
Naxos disease (NXD). Also called: WOOLLY HAIR, PALMOPLANTAR KERATODERMA, AND CARDIAC ABNORMALITIES; CARDIOMYOPATHY, ARRHYTHMOGENIC RIGHT VENTRICULAR, WITH SKIN, HAIR, AND NAIL ABNORMALITIES; KERATOSIS PALMOPLANTARIS WITH ARRHYTHMOGENIC CARDIOMYOPATHY; MAL DE NAXOS; PALMOPLANTAR KERATODERMA WITH ARRHYTHMOGENIC RIGHT VENTRICULAR CARDIOMYOPATHY AND WOOLLY HAIR. Identifiers: Orphanet 34217, MedGen C1832600, MONDO:0011017, OMIM 601214.
Cardiomyopathy (CMYO). Also called: Cardiomyopathies. Identifiers: Orphanet 167848, MedGen C0878544, MONDO:0004994, HP:0001638. Inheritance: Various modes of inheritance.

Allele frequency attached by ClinVar (database versions not stated): gnomAD exomes 0.00022 and 0.00062; ExAC 0.00082; gnomAD 0.00247 and 0.00259; ESP Exome Variant Server 0.00261; TOPMed 0.00278; 1000 Genomes Project 0.00419; 1000 Genomes Project 30x 0.00453.
gnomAD v4.1: 718 of 1,614,260 alleles (0.044%); highest among the groups gnomAD compares: African/African-American, 0.86%; 5 homozygotes.

Submissions (13):

Molecular Diagnostic Laboratory for Inherited Cardiovascular Disease, Montreal Heart Institute
Classification: Benign. Last evaluated: 2026-03-27. Review status: criteria provided, single submitter. Criteria: ACMG Guidelines, 2015. Collection method: clinical testing. Allele origin: germline. Affected: no.

Labcorp Genetics (formerly Invitae), Labcorp
Classification: Benign for Arrhythmogenic right ventricular dysplasia 12; Naxos disease. Last evaluated: 2026-01-31. Review status: criteria provided, single submitter. Criteria: Invitae Variant Classification Sherloc (09022015). Collection method: clinical testing. Allele origin: germline.

ARUP Laboratories, Molecular Genetics and Genomics, ARUP Laboratories
Classification: Likely benign. Last evaluated: 2025-05-20. Review status: criteria provided, single submitter. Criteria: ARUP Molecular Germline Variant Investigation Process 2024. Collection method: clinical testing. Allele origin: germline.

Blueprint Genetics
Classification: Likely benign. Last evaluated: 2024-07-01. Review status: criteria provided, single submitter. Criteria: ACMG Guidelines, 2015. Collection method: clinical testing. Allele origin: germline.

Women's Health and Genetics/Laboratory Corporation of America, LabCorp
Classification: Benign. Last evaluated: 2019-11-23. Review status: criteria provided, single submitter. Criteria: LabCorp Variant Classification Summary - May 2015. Collection method: clinical testing. Allele origin: germline.

Ambry Genetics
Classification: Benign for Cardiovascular phenotype. Last evaluated: 2017-01-26. Review status: criteria provided, single submitter. Criteria: Ambry Variant Classification Scheme 2023. Collection method: clinical testing. Allele origin: germline.

CHEO Genetics Diagnostic Laboratory, Children's Hospital of Eastern Ontario
Classification: Likely benign for Cardiomyopathy. Last evaluated: 2015-11-05. Review status: criteria provided, single submitter. Criteria: ACMG Guidelines, 2015. Collection method: clinical testing. Allele origin: germline. Study: Canadian Open Genetics Repository.

Laboratory for Molecular Medicine, Mass General Brigham Personalized Medicine
Classification: Benign. Last evaluated: 2013-10-10. Review status: criteria provided, single submitter. Criteria: LMM Criteria. Collection method: clinical testing. Allele origin: germline. Observed: 4 variant alleles.
Comment: His675His in Exon 12 of JUP: This variant is not expected to have clinical signi ficance because it does not alter an amino acid residue, is not located within t he splice consensus sequence and has been identified in 1.0% (36/3738) of Africa n American chromosomes from a broad population by the NHLBI Exome Sequencing Pro ject (dbSNP rs140670556).

GeneDx
Classification: Benign. Last evaluated: 2013-09-24. Review status: criteria provided, single submitter. Criteria: GeneDx Variant Classification (06012015). Collection method: clinical testing. Allele origin: germline. Affected: yes.
Comment: This variant is considered likely benign or benign based on one or more of the following criteria: it is a conservative change, it occurs at a poorly conserved position in the protein, it is predicted to be benign by multiple in silico algorithms, and/or has population frequency not consistent with disease.

Clinical Genetics DNA and cytogenetics Diagnostics Lab, Erasmus MC, Erasmus Medical Center
Classification: Likely benign. Review status: no assertion criteria provided. Collection method: clinical testing. Allele origin: germline. Affected: yes. Study: VKGL Data-share Consensus. Not counted in ClinVar's aggregate classification.

Clinical Genetics, Academic Medical Center
Classification: Benign. Review status: no assertion criteria provided. Collection method: clinical testing. Allele origin: germline. Affected: yes. Study: VKGL Data-share Consensus. Not counted in ClinVar's aggregate classification.

Diagnostic Laboratory, Department of Genetics, University Medical Center Groningen
Classification: Benign. Review status: no assertion criteria provided. Collection method: clinical testing. Allele origin: germline. Affected: yes. Study: VKGL Data-share Consensus. Not counted in ClinVar's aggregate classification.

Genome Diagnostics Laboratory, University Medical Center Utrecht
Classification: Benign. Review status: no assertion criteria provided. Collection method: clinical testing. Allele origin: germline. Affected: yes. Study: VKGL Data-share Consensus. Not counted in ClinVar's aggregate classification.